The following is an entry in ClinVar:

ClinVar aggregate classification (germline): Uncertain significance (1 of 4 stars; one submission).

Conditions:
Fanconi anemia (FA). Also called: Fanconi's anemia. Identifiers: Orphanet 84, MedGen C0015625, MeSH D005199, MONDO:0019391.

gnomAD v4.1: 2 of 1,614,206 alleles (0.00012%); highest among the groups gnomAD compares: Non-Finnish European, 0.00017%; no homozygotes.

Submission:

Labcorp Genetics (formerly Invitae), Labcorp
Classification: Uncertain significance for Fanconi anemia. Last evaluated: 2020-08-29. Review status: criteria provided, single submitter. Criteria: Invitae Variant Classification Sherloc (09022015). Collection method: clinical testing. Allele origin: germline.
Comment: In summary, the available evidence is currently insufficient to determine the role of this variant in disease. Therefore, it has been classified as a Variant of Uncertain Significance. Algorithms developed to predict the effect of missense changes on protein structure and function are either unavailable or do not agree on the potential impact of this missense change (SIFT: "Tolerated"; PolyPhen-2: "Probably Damaging"; Align-GVGD: "Class C0"). This variant has not been reported in the literature in individuals with SLX4-related conditions. This variant is not present in population databases (ExAC no frequency). This sequence change replaces serine with arginine at codon 199 of the SLX4 protein (p.Ser199Arg). The serine residue is moderately conserved and there is a moderate physicochemical difference between serine and arginine.

NM_032444.4(SLX4):c.595A>C (p.Ser199Arg)

Gene: SLX4 (SLX4 structure-specific endonuclease subunit; minus strand). Cytogenetic location: 16p13.3.
Variant type: single nucleotide variant.
Coding change: c.595A>C on transcript NM_032444.4 (MANE Select); coding-DNA position 595, A replaced by C.
Protein change: p.Ser199Arg; replaces serine 199 with arginine.
Molecular consequence: missense variant.
Genome position (GRCh38, 1-based): chr16:3,606,639, T>G on the plus strand (A>C on the coding strand, the complement: SLX4 is on the minus strand). VCF-style: chr16-3606639-T-G. GRCh37 (hg19) VCF-style: chr16-3656640-T-G.
Other names: short protein forms S199R.
Identifiers: ClinVar variation 1036389 (VCV001036389.8), dbSNP rs770098753, ClinGen allele CA394533431.